The following is an entry in ClinVar:

NM_006486.3(FBLN1):c.1827C>T (p.Phe609=)

Gene: FBLN1 (fibulin 1; plus strand). Cytogenetic location: 22q13.31.
Variant type: single nucleotide variant.
Coding change: c.1827C>T on transcript NM_006486.3 (MANE Select); coding-DNA position 1827, C replaced by T.
Protein change: p.Phe609=; no amino-acid change (phenylalanine 609 retained).
Molecular consequence: synonymous variant.
Genome position (GRCh38, 1-based): chr22:45,574,640, C>T. VCF-style: chr22-45574640-C-T. GRCh37 (hg19) VCF-style: chr22-45970520-C-T.
Identifiers: ClinVar variation 3050543 (VCV003050543.2), dbSNP rs761267107, ClinGen allele CA325032926.

ClinVar aggregate classification (germline): Likely benign (0 of 4 stars; one submission).

Conditions:
FBLN1-related disorder. Also called: FBLN1-related condition.

Allele frequency attached by ClinVar (database versions not stated): gnomAD exomes 0.00001.
gnomAD v4.1: 10 of 1,613,880 alleles (0.00062%); highest among the groups gnomAD compares: Non-Finnish European, 0.00085%; no homozygotes.

Submission:

PreventionGenetics, part of Exact Sciences
Classification: Likely benign for FBLN1-related condition. Last evaluated: 2019-07-23. Review status: no assertion criteria provided. Collection method: clinical testing. Allele origin: germline.
Comment: This variant is classified as likely benign based on ACMG/AMP sequence variant interpretation guidelines (Richards et al. 2015 PMID: 25741868, with internal and published modifications).